The following is an entry in ClinVar:

ClinVar aggregate classification (germline): Pathogenic. Review status: criteria provided, multiple submitters, no conflicts (2 of 4 stars). 2 submissions from 2 submitters: Pathogenic (2). Last evaluated 2024-06-06.

Conditions:
Cardiovascular phenotype. Identifiers: MedGen CN230736.
Arrhythmogenic right ventricular dysplasia 11. Also called: ARRHYTHMOGENIC RIGHT VENTRICULAR DYSPLASIA, FAMILIAL, 11; Arrhythmogenic Right Ventricular Dysplasia/Cardiomyopathy11; Arrhythmogenic right ventricular dysplasia 11 with mild palmoplantar keratoderma and woolly hair. Identifiers: MedGen C1864850, MONDO:0012506, OMIM 610476.

Allele frequency attached by ClinVar (database versions not stated): gnomAD exomes below 0.00001.

Submissions (2):

Ambry Genetics
Classification: Pathogenic for Cardiovascular phenotype. Last evaluated: 2024-06-06. Review status: criteria provided, single submitter. Criteria: Ambry Variant Classification Scheme 2023. Collection method: clinical testing. Allele origin: germline.
Comment: The c.686delT pathogenic mutation, located in coding exon 6 of the DSC2 gene, results from a deletion of one nucleotide at nucleotide position 686, causing a translational frameshift with a predicted alternate stop codon (p.L229Qfs*2). This variant is considered to be rare based on population cohorts in the Genome Aggregation Database (gnomAD). This alteration is expected to result in loss of function by premature protein truncation or nonsense-mediated mRNA decay. As such, this alteration is interpreted as a disease-causing mutation.

Labcorp Genetics (formerly Invitae), Labcorp
Classification: Pathogenic for Arrhythmogenic right ventricular dysplasia 11. Last evaluated: 2023-08-30. Review status: criteria provided, single submitter. Criteria: Invitae Variant Classification Sherloc (09022015). Collection method: clinical testing. Allele origin: germline.
Comment: This sequence change creates a premature translational stop signal (p.Leu229Glnfs*2) in the DSC2 gene. It is expected to result in an absent or disrupted protein product. Loss-of-function variants in DSC2 are known to be pathogenic (PMID: 23911551). This variant is not present in population databases (gnomAD no frequency). This variant has not been reported in the literature in individuals affected with DSC2-related conditions. For these reasons, this variant has been classified as Pathogenic.

Literature cited by the submitters: PubMed 23911551 (cited by Labcorp Genetics (formerly Invitae), Labcorp).

NM_024422.6(DSC2):c.686del (p.Leu229fs)

Gene: DSC2 (desmocollin 2; minus strand). Cytogenetic location: 18q12.1.
Variant type: Deletion.
Coding change: c.686del on transcript NM_024422.6 (MANE Select); coding-DNA position 686, one base deleted (T; older notation c.686delT).
Protein change: p.Leu229fs; shifts the reading frame from leucine 229.
Molecular consequence: frameshift variant.
Genome position (GRCh38, 1-based): chr18:31,087,758, A deleted on the plus strand (T on the coding strand, the reverse complement: DSC2 is on the minus strand). VCF-style (leftmost placement, unchanged base first): chr18-31087757-TA-T. GRCh37 (hg19) VCF-style: chr18-28667720-TA-T.
Other names: c.686delT (NM_024422.3); c.257del, p.Leu86fs (NM_001406506.1, NM_001406507.1); c.686del, p.Leu229fs (NM_004949.5); short protein forms L229fs, L86fs.
Identifiers: ClinVar variation 2880847 (VCV002880847.4), dbSNP rs2510952501, ClinGen allele CA913015086.
Genomic context (GRCh38, chr18:31,087,757, plus strand): 5'-AGTATAAGTTTCTTCTGTAAAAATTGGGTAGTTATCATTTTCATCCTCTATTTTGATTAT[TA>T]GGGGCAGTGGAAGTTCTGGAGTATACCCATCTGGAGTTGTTGCAAAGGCAATTATCTGTG-3'